The following is an entry in ClinVar:

ClinVar aggregate classification (germline): Pathogenic. Review status: reviewed by expert panel (3 of 4 stars). 11 submissions from 11 submitters: Pathogenic (1). 10 of the submissions do not count toward it. Last evaluated 2016-10-18.

Conditions:
Breast and/or ovarian cancer. Identifiers: MedGen CN221562.
Hereditary cancer-predisposing syndrome. Also called: Tumor predisposition; Neoplastic Syndromes, Hereditary; Hereditary Cancer Syndrome; Hereditary neoplastic syndrome. Identifiers: Orphanet 140162, MedGen C0027672, MeSH D009386, MONDO:0015356.
Hereditary breast ovarian cancer syndrome. Also called: Hereditary breast and ovarian cancer syndrome (HBOC); Hereditary breast and ovarian cancer syndrome; Hereditary breast and ovarian cancer; Hereditary breast and/or ovarian cancer syndrome; Breast and ovarian cancer; BRCA1- and BRCA2-Associated Hereditary Breast and Ovarian Cancer. Identifiers: Orphanet 145, MedGen C0677776, MeSH D061325, MONDO:0003582. Disease mechanism: loss of function.
Breast-ovarian cancer, familial, susceptibility to, 1 (BROVCA1). Also called: OVARIAN CANCER, SUSCEPTIBILITY TO; BRCA1 Hereditary Breast and Ovarian Cancer. Identifiers: Orphanet 145, MedGen C2676676, MONDO:0011450, OMIM 604370. Disease mechanism: loss of function.

Submissions (11):

Evidence-based Network for the Interpretation of Germline Mutant Alleles (ENIGMA)
Classification: Pathogenic for Breast-ovarian cancer, familial, susceptibility to, 1. Last evaluated: 2016-10-18. Review status: reviewed by expert panel. Criteria: ENIGMA BRCA1/2 Classification Criteria (2015). Collection method: curation. Allele origin: germline.
Comment: Variant allele predicted to encode a truncated non-functional protein.

Ambry Genetics
Classification: Pathogenic for Hereditary cancer-predisposing syndrome. Last evaluated: 2025-10-16. Review status: criteria provided, single submitter. Criteria: Ambry Variant Classification Scheme 2023. Collection method: clinical testing. Allele origin: germline. Not counted in ClinVar's aggregate classification.
Comment: The p.Q534* pathogenic mutation (also known as c.1600C>T), located in coding exon 9 of the BRCA1 gene, results from a C to T substitution at nucleotide position 1600. This changes the amino acid from a glutamine to a stop codon within coding exon 9. This alteration is expected to result in loss of function by premature protein truncation or nonsense-mediated mRNA decay. As such, this alteration is interpreted as a disease-causing mutation.

Baylor Genetics
Classification: Pathogenic for Breast-ovarian cancer, familial, susceptibility to, 1. Last evaluated: 2022-08-05. Review status: criteria provided, single submitter. Criteria: ACMG Guidelines, 2015. Collection method: clinical testing. Allele origin: unknown. Not counted in ClinVar's aggregate classification.

Labcorp Genetics (formerly Invitae), Labcorp
Classification: Pathogenic for Hereditary breast ovarian cancer syndrome. Last evaluated: 2022-06-29. Review status: criteria provided, single submitter. Criteria: Invitae Variant Classification Sherloc (09022015). Collection method: clinical testing. Allele origin: germline. Not counted in ClinVar's aggregate classification.
Comment: For these reasons, this variant has been classified as Pathogenic. ClinVar contains an entry for this variant (Variation ID: 54303). This premature translational stop signal has been observed in individual(s) with hereditary breast and/or ovarian cancer (HBOC) or undergoing testing for HBOC (PMID: 18489799, 29446198, 30078507). This variant is not present in population databases (gnomAD no frequency). This sequence change creates a premature translational stop signal (p.Gln534*) in the BRCA1 gene. It is expected to result in an absent or disrupted protein product. Loss-of-function variants in BRCA1 are known to be pathogenic (PMID: 20104584).

Color Diagnostics, LLC DBA Color Health
Classification: Pathogenic for Hereditary cancer-predisposing syndrome. Last evaluated: 2021-12-28. Review status: criteria provided, single submitter. Criteria: ACMG Guidelines, 2015. Collection method: clinical testing. Allele origin: germline. Not counted in ClinVar's aggregate classification.
Comment: This variant changes 1 nucleotide in exon 10 of the BRCA1 gene, creating a premature translation stop signal. This variant is expected to result in an absent or non-functional protein product. To our knowledge, functional studies have not been reported for this variant. This variant has been detected in at least one individual each affected with breast or ovarian cancer (PMID: 30078507, 33471991; Leiden Open Variation Database DB-ID BRCA1_004147) and in at least seven families suspected to be affected with hereditary breast and ovarian cancer (PMID: 18489799, 29446198, 31409081). This variant has not been identified in the general population by the Genome Aggregation Database (gnomAD). Loss of BRCA1 function is a known mechanism of disease. Based on the available evidence, this variant is classified as Pathogenic.

Quest Diagnostics Nichols Institute San Juan Capistrano
Classification: Pathogenic. Last evaluated: 2020-01-11. Review status: criteria provided, single submitter. Criteria: Quest Diagnostics criteria. Collection method: clinical testing. Allele origin: unknown. Not counted in ClinVar's aggregate classification.
Comment: The variant creates a premature nonsense codon, and is therefore predicted to result in the loss of a functional protein. Found in at least one patient with expected phenotype for this gene, and not found in general population data.

Women's Health and Genetics/Laboratory Corporation of America, LabCorp
Classification: Pathogenic for Hereditary breast and ovarian cancer syndrome. Last evaluated: 2018-10-09. Review status: criteria provided, single submitter. Criteria: LabCorp Variant Classification Summary - May 2015. Collection method: clinical testing. Allele origin: germline. Not counted in ClinVar's aggregate classification.
Comment: Variant summary: BRCA1 c.1600C>T (p.Gln534X) results in a premature termination codon, predicted to cause a truncation of the encoded protein or absence of the protein due to nonsense mediated decay, which are commonly known mechanisms for disease. Truncations downstream of this position have been classified as pathogenic by our laboratory (eg. p.Gln541X, p.Gly559fsX13, p.Gln563X). The variant was absent in 245682 control chromosomes. c.1600C>T has been reported in the literature in individuals affected with Hereditary Breast and Ovarian Cancer (Li_2018, Machackova_2008). These data indicate that the variant is likely to be associated with disease. To our knowledge, no experimental evidence demonstrating an impact on protein function has been reported. Four clinical diagnostic laboratories have submitted clinical-significance assessments for this variant to ClinVar after 2014 without evidence for independent evaluation. All laboratories classified the variant as pathogenic/likely pathogenic. Based on the evidence outlined above, the variant was classified as pathogenic.

GeneDx
Classification: Pathogenic. Last evaluated: 2017-09-18. Review status: criteria provided, single submitter. Criteria: GeneDx Variant Classification (06012015). Collection method: clinical testing. Allele origin: germline. Affected: yes. Not counted in ClinVar's aggregate classification.
Comment: This variant is denoted BRCA1 c.1600C>T at the cDNA level and p.Gln534Ter (Q534X) at the protein level. The substitution creates a nonsense variant, which changes a Glutamine to a premature stop codon (CAG>TAG), and is predicted to cause loss of normal protein function through either protein truncation or nonsense-mediated mRNA decay. This variant, also published as BRCA1 1719C>T using alternate nomenclature, has been observed in at least three families presenting with breast and/ or ovarian cancer (Machackova 2008). We consider BRCA1 Gln534Ter to be a pathogenic variant.

Consortium of Investigators of Modifiers of BRCA1/2 (CIMBA), c/o University of Cambridge
Classification: Pathogenic for Breast-ovarian cancer, familial, susceptibility to, 1. Last evaluated: 2015-10-02. Review status: criteria provided, single submitter. Criteria: CIMBA Mutation Classification guidelines May 2016. Collection method: clinical testing. Allele origin: germline. Not counted in ClinVar's aggregate classification.

BRCAlab, Lund University
Classification: Pathogenic for Breast-ovarian cancer, familial, susceptibility to, 1. Last evaluated: 2020-03-02. Review status: no assertion criteria provided. Collection method: clinical testing. Allele origin: germline. Affected: yes. Not counted in ClinVar's aggregate classification.

CZECANCA consortium
Classification: Pathogenic for Breast and/or ovarian cancer. Last evaluated: 2019-06-11. Review status: no assertion criteria provided. Collection method: clinical testing. Allele origin: germline. Affected: yes. Observed: 2 variant alleles. Not counted in ClinVar's aggregate classification.

Literature cited by the submitters: PubMed 18489799 (cited by 4 submitters); PubMed 29446198 (cited by 3 submitters); PubMed 30078507 (cited by 4 submitters); PubMed 20104584 (cited by Labcorp Genetics (formerly Invitae), Labcorp); PubMed 31409081 (cited by Color Diagnostics, LLC DBA Color Health); PubMed 33471991 (cited by Color Diagnostics, LLC DBA Color Health); PubMed 26295337 (cited by Quest Diagnostics Nichols Institute San Juan Capistrano); PubMed 32295079 (cited by CZECANCA consortium).

NM_007294.4(BRCA1):c.1600C>T (p.Gln534Ter)

Gene: BRCA1 (BRCA1 DNA repair associated; minus strand). Cytogenetic location: 17q21.31.
Variant type: single nucleotide variant.
Coding change: c.1600C>T on transcript NM_007294.4 (MANE Select); coding-DNA position 1600, C replaced by T.
Protein change: p.Gln534Ter; replaces glutamine 534 with a stop codon.
Molecular consequence: nonsense. On other transcripts: intron variant (137).
Genome position (GRCh38, 1-based): chr17:43,093,931, G>A on the plus strand (C>T on the coding strand, the complement: BRCA1 is on the minus strand). VCF-style: chr17-43093931-G-A. GRCh37 (hg19) VCF-style: chr17-41245948-G-A.
Other names: 1719 C>T; c.784+813C>T (NM_001408392.1, NM_001407986.1, NM_001407972.1 and 13 more transcripts); c.664+813C>T (NM_001408441.1, NM_001408437.1, NM_001408429.1 and 12 more transcripts); c.787+813C>T (NM_001407979.1, NM_001407977.1, NM_001407982.1 and 19 more transcripts); c.646+813C>T (NM_001408410.1, NM_001408458.1, NM_001408469.1 and 11 more transcripts); c.709+813C>T (NM_001408415.1, NM_001408412.1, NM_001408409.1 and 2 more transcripts); c.577+813C>T (NM_001408483.1, NM_001408481.1, NM_001408480.1 and 9 more transcripts); c.1387C>T, p.Gln463Ter (NM_001407571.1, NM_001407853.1, NM_001407894.1 and 9 more transcripts); and 41 more; short protein forms Q534*, Q487*, Q238*, Q423*, Q486*, Q533*, Q366*, Q422*.
Identifiers: ClinVar variation 54303 (VCV000054303.23), dbSNP rs142074233, ClinGen allele CA001062.